The following is an entry in ClinVar:

ClinVar aggregate classification (germline): Likely benign. Review status: criteria provided, multiple submitters, no conflicts (2 of 4 stars). 4 submissions from 4 submitters: Likely benign (4). Last evaluated 2025-01-28.

Conditions:
Majeed syndrome (MJDS). Also called: CHRONIC RECURRENT MULTIFOCAL OSTEOMYELITIS 1, WITH CONGENITAL DYSERYTHROPOIETIC ANEMIA, WITH OR WITHOUT NEUTROPHILIC DERMATOSIS; LPIN2-Related Majeed Syndrome. Identifiers: Orphanet 77297, MedGen C1864997, MONDO:0012316, OMIM 609628.

Allele frequency attached by ClinVar (database versions not stated): gnomAD exomes below 0.00001.
gnomAD v4.1: 3 of 1,614,142 alleles (0.00019%); highest among the groups gnomAD compares: Middle Eastern, 0.017%; no homozygotes.

Submissions (4):

Labcorp Genetics (formerly Invitae), Labcorp
Classification: Likely benign for Majeed syndrome. Last evaluated: 2025-01-28. Review status: criteria provided, single submitter. Criteria: Invitae Variant Classification Sherloc (09022015). Collection method: clinical testing. Allele origin: germline.

Blueprint Genetics
Classification: Likely benign. Last evaluated: 2024-10-15. Review status: criteria provided, single submitter. Criteria: ACMG Guidelines, 2015. Collection method: clinical testing. Allele origin: germline.

CeGaT Center for Human Genetics Tuebingen
Classification: Likely benign. Last evaluated: 2022-04-01. Review status: criteria provided, single submitter. Criteria: CeGaT Center For Human Genetics Tuebingen Variant Classification Criteria Version 2. Collection method: clinical testing. Allele origin: germline. Affected: yes. Observed: 1 variant allele.
Comment: LPIN2: PM2:Supporting, BP4, BP7

GeneDx
Classification: Likely benign. Last evaluated: 2016-01-06. Review status: criteria provided, single submitter. Criteria: GeneDx Variant Classification (06012015). Collection method: clinical testing. Allele origin: germline. Affected: yes.
Comment: This variant is considered likely benign or benign based on one or more of the following criteria: it is a conservative change, it occurs at a poorly conserved position in the protein, it is predicted to be benign by multiple in silico algorithms, and/or has population frequency not consistent with disease.

NM_001375808.2(LPIN2):c.1812C>A (p.Ser604=)

Gene: LPIN2 (lipin 2; minus strand). Cytogenetic location: 18p11.31.
Variant type: single nucleotide variant.
Coding change: c.1812C>A on transcript NM_001375808.2 (MANE Select); coding-DNA position 1812, C replaced by A.
Protein change: p.Ser604=; no amino-acid change (serine 604 retained).
Molecular consequence: synonymous variant.
Genome position (GRCh38, 1-based): chr18:2,925,350, G>T on the plus strand (C>A on the coding strand, the complement: LPIN2 is on the minus strand). VCF-style: chr18-2925350-G-T. GRCh37 (hg19) VCF-style: chr18-2925348-G-T.
Other names: c.1812C>A, p.Ser604= (NM_001375809.1, NM_014646.2).
Identifiers: ClinVar variation 246270 (VCV000246270.27), dbSNP rs879254186, ClinGen allele CA10584597.